The following is an entry in ClinVar:

NM_032578.4(MYPN):c.1130+17G>A

Gene: MYPN (myopalladin; plus strand). Cytogenetic location: 10q21.3.
Variant type: single nucleotide variant.
Coding change: c.1130+17G>A on transcript NM_032578.4 (MANE Select); 17 bases into the intron after coding-DNA position 1130, G replaced by A.
Molecular consequence: intron variant.
Genome position (GRCh38, 1-based): chr10:68,145,543, G>A. VCF-style: chr10-68145543-G-A. GRCh37 (hg19) VCF-style: chr10-69905300-G-A.
Other names: c.1130+17G>A (NM_001256267.2); c.248+17G>A (NM_001256268.2).
Identifiers: ClinVar variation 138414 (VCV000138414.15), dbSNP rs2817760, ClinGen allele CA333117.

ClinVar aggregate classification (germline): Benign. Review status: criteria provided, multiple submitters, no conflicts (2 of 4 stars). 6 submissions from 6 submitters: Benign (4). 2 of the submissions do not count toward it. Last evaluated 2026-02-03.

Conditions:
Dilated cardiomyopathy 1KK (CMD1KK). Identifiers: Orphanet 154, Orphanet 75249, MedGen C3714995, MONDO:0014100, OMIM 615248.

Allele frequency attached by ClinVar (database versions not stated): gnomAD exomes 0.10075 and 0.15135; ExAC 0.15623; gnomAD 0.25313 and 0.26147; ESP Exome Variant Server 0.26765; TOPMed 0.27795; 1000 Genomes Project 0.29593; 1000 Genomes Project 30x 0.30715.
gnomAD v4.1: 186,429 of 1,604,334 alleles (12%); highest among the groups gnomAD compares: African/African-American, 65%; 23,685 homozygotes.

Submissions (6):

Labcorp Genetics (formerly Invitae), Labcorp
Classification: Benign for Dilated cardiomyopathy 1KK. Last evaluated: 2026-02-03. Review status: criteria provided, single submitter. Criteria: Invitae Variant Classification Sherloc (09022015). Collection method: clinical testing. Allele origin: germline.

Clinical Genetics DNA and cytogenetics Diagnostics Lab, Erasmus MC, Erasmus Medical Center
Classification: Benign for Dilated cardiomyopathy 1KK. Last evaluated: 2015-09-21. Review status: criteria provided, single submitter. Criteria: ACGS Guidelines, 2013. Collection method: clinical testing. Allele origin: germline. Affected: yes. Study: VKGL Data-share Consensus.

GeneDx
Classification: Benign. Last evaluated: 2013-11-14. Review status: criteria provided, single submitter. Criteria: GeneDx Variant Classification (06012015). Collection method: clinical testing. Allele origin: germline. Affected: yes.
Comment: This variant is considered likely benign or benign based on one or more of the following criteria: it is a conservative change, it occurs at a poorly conserved position in the protein, it is predicted to be benign by multiple in silico algorithms, and/or has population frequency not consistent with disease.

Breakthrough Genomics
Classification: Benign. Review status: criteria provided, single submitter. Criteria: ACMG Guidelines, 2015. Collection method: not provided. Allele origin: germline. Inheritance: Autosomal recessive inheritance. Affected: yes.

Clinical Genetics, Academic Medical Center
Classification: Benign. Review status: no assertion criteria provided. Collection method: clinical testing. Allele origin: germline. Affected: yes. Study: VKGL Data-share Consensus. Not counted in ClinVar's aggregate classification.

Joint Genome Diagnostic Labs from Nijmegen and Maastricht, Radboudumc and MUMC+
Classification: Benign. Review status: no assertion criteria provided. Collection method: clinical testing. Allele origin: germline. Affected: yes. Study: VKGL Data-share Consensus. Not counted in ClinVar's aggregate classification.